The following is an entry in ClinVar:

ClinVar aggregate classification (germline): Likely pathogenic. Review status: criteria provided, multiple submitters, no conflicts (2 of 4 stars). 7 submissions from 7 submitters: Likely pathogenic (7). Last evaluated 2025-12-20.

Conditions:
Hereditary breast ovarian cancer syndrome. Also called: Hereditary breast and ovarian cancer; Hereditary breast and/or ovarian cancer syndrome; BRCA1- and BRCA2-Associated Hereditary Breast and Ovarian Cancer; Hereditary breast and ovarian cancer syndrome; Hereditary breast and ovarian cancer syndrome (HBOC); Breast and ovarian cancer. Identifiers: Orphanet 145, MedGen C0677776, MeSH D061325, MONDO:0003582. Disease mechanism: loss of function.
Breast-ovarian cancer, familial, susceptibility to, 4. Identifiers: Orphanet 145, MedGen C3280345, MONDO:0013669, OMIM 614291.
Hereditary cancer-predisposing syndrome. Also called: Tumor predisposition; Hereditary Cancer Syndrome; Hereditary neoplastic syndrome; Neoplastic Syndromes, Hereditary. Identifiers: Orphanet 140162, MedGen C0027672, MeSH D009386, MONDO:0015356.

Allele frequency attached by ClinVar (database versions not stated): gnomAD exomes below 0.00001.
gnomAD v4.1: 1 of 1,614,146 alleles (0.000062%); highest among the groups gnomAD compares: Admixed American, 0.0017%; no homozygotes.

Submissions (7):

Labcorp Genetics (formerly Invitae), Labcorp
Classification: Likely pathogenic for Breast-ovarian cancer, familial, susceptibility to, 4. Last evaluated: 2025-12-20. Review status: criteria provided, single submitter. Criteria: Invitae Variant Classification Sherloc (09022015). Collection method: clinical testing. Allele origin: germline.
Comment: This sequence change creates a premature translational stop signal (p.Gln301*) in the RAD51D gene. While this is not anticipated to result in nonsense mediated decay, it is expected to disrupt the last 28 amino acid(s) of the RAD51D protein. This variant is not present in population databases (gnomAD no frequency). This variant has not been reported in the literature in individuals affected with RAD51D-related conditions. ClinVar contains an entry for this variant (Variation ID: 410561). This variant disrupts the ATPase domain and RAD51C interaction domain of the RAD51D protein, which are necessary for the DNA repair activity (PMID: 14704354, 19327148, 21111057, 10749867). While functional studies have not been performed to directly test the effect of this variant on RAD51D protein function, this suggests that disruption of this region of the protein is causative of disease. In summary, the currently available evidence indicates that the variant is pathogenic, but additional data are needed to prove that conclusively. Therefore, this variant has been classified as Likely Pathogenic.

Ambry Genetics
Classification: Likely pathogenic for Hereditary cancer-predisposing syndrome. Last evaluated: 2025-07-23. Review status: criteria provided, single submitter. Criteria: Ambry Variant Classification Scheme 2023. Collection method: clinical testing. Allele origin: germline.
Comment: The p.Q301* variant (also known as c.901C>T), located in coding exon 9 of the RAD51D gene, results from a C to T substitution at nucleotide position 901. This changes the amino acid from a glutamine to a stop codon within coding exon 9. This alteration occurs at the 3' terminus of RAD51D, is not expected to trigger nonsense-mediated mRNA decay, and only impacts the last 27 amino acids of the protein. Structural analysis has revealed that this region contains a highly conserved ATP cap which functions to hold the ATP in place, and is likely to impact nucleoprotein filament stability (Amunugama R et al. J. Biol. Chem. 2012 Mar;287(12):8724-36). The exact functional effect of this alteration is unknown; however, premature stop codons are typically deleterious in nature and structural analysis suggests that this truncated region is important for protein function. This variant is considered to be rare based on population cohorts in the Genome Aggregation Database (gnomAD). As such, this alteration is classified as likely pathogenic.

Color Diagnostics, LLC DBA Color Health
Classification: Likely pathogenic for Hereditary cancer-predisposing syndrome. Last evaluated: 2024-07-15. Review status: criteria provided, single submitter. Criteria: ACMG Guidelines, 2015. Collection method: clinical testing. Allele origin: germline.
Comment: This variant changes 1 nucleotide in exon 9 of the RAD51D gene, creating a premature translation stop signal at codon 301 in the last exon. The mutant transcript is expected to escape nonsense-mediated decay and be expressed as a truncated protein that lacks the C-terminus of the ATPase domain (PMID: 14704354, 19327148, 21111057) and RAD51C interaction domain (PMID: 10749867, 14704354, 19327148). Although functional studies have not been reported for this variant, this variant is likely to disrupt RAD51D function. To our knowledge, this variant has not been reported in individuals affected with hereditary cancer in the literature. This variant has not been identified in the general population by the Genome Aggregation Database (gnomAD). A different variant that causes a protein truncation at codon 300 (p.Arg300*) is known to be pathogenic (Clinvar variation ID: 185048). Based on the available evidence, this variant is classified as Likely Pathogenic.

Baylor Genetics
Classification: Likely pathogenic for Breast-ovarian cancer, familial, susceptibility to, 4. Last evaluated: 2023-08-30. Review status: criteria provided, single submitter. Criteria: ACMG Guidelines, 2015. Collection method: clinical testing. Allele origin: unknown.

GeneDx
Classification: Likely pathogenic. Last evaluated: 2022-02-22. Review status: criteria provided, single submitter. Criteria: GeneDx Variant Classification Process June 2021. Collection method: clinical testing. Allele origin: germline. Affected: yes.
Comment: Nonsense variant in the C-terminus predicted to result in protein truncation, as the last 28 amino acids are lost, and partial loss of the critical RAD51C binding region of the ATPase domain (Miller 2004, Gruver 2009, Kim 2011); Not observed at significant frequency in large population cohorts (gnomAD); Has not been previously published as pathogenic or benign to our knowledge; This variant is associated with the following publications: (PMID: 21111057, 14704354, 19327148)

Women's Health and Genetics/Laboratory Corporation of America, LabCorp
Classification: Likely pathogenic for Hereditary breast ovarian cancer syndrome. Last evaluated: 2021-11-17. Review status: criteria provided, single submitter. Criteria: LabCorp Variant Classification Summary - May 2015. Collection method: clinical testing. Allele origin: germline.
Comment: Variant summary: RAD51D c.901C>T (p.Gln301X), located in the penultimate exon 9 results in a premature termination codon, predicted to cause a truncation of the encoded protein or absence of the protein due to nonsense mediated decay, which are commonly known mechanisms for disease. Truncations downstream of this position have not been classified as pathogenic by our laboratory or observed in the HGMD database. The variant also alters a conserved nucleotide located in exon 9 close to the next canonical intron 9 splice donor site. 4/4 computational tools predict no significant impact on normal splicing. However, these predictions have yet to be confirmed by functional studies. The variant was absent in 251378 control chromosomes (gnomAD). To our knowledge, no occurrence of c.901C>T in individuals affected with Hereditary Breast And Ovarian Cancer Syndrome and no experimental evidence demonstrating its impact on protein function have been reported. Three clinical diagnostic laboratories have submitted clinical-significance assessments for this variant to ClinVar after 2014 without and all laboratories classified the variant as likely pathogenic. Based on the evidence outlined above, the variant was classified as likely pathogenic.

MGZ Medical Genetics Center
Classification: Likely pathogenic for Breast-ovarian cancer, familial, susceptibility to, 4. Last evaluated: 2021-08-24. Review status: criteria provided, single submitter. Criteria: ACMG Guidelines, 2015. Collection method: clinical testing. Allele origin: germline. Affected: yes. Observed: 1 variant allele.
Comment: ACMG criteria applied: PVS1_STR, PS4_SUP, PM2_SUP

Literature cited by the submitters: PubMed 14704354 (cited by Labcorp Genetics (formerly Invitae), Labcorp and Color Diagnostics, LLC DBA Color Health); PubMed 19327148 (cited by Labcorp Genetics (formerly Invitae), Labcorp and Color Diagnostics, LLC DBA Color Health); PubMed 21111057 (cited by Labcorp Genetics (formerly Invitae), Labcorp and Color Diagnostics, LLC DBA Color Health); PubMed 10749867 (cited by Labcorp Genetics (formerly Invitae), Labcorp and Color Diagnostics, LLC DBA Color Health); PubMed 22275364 (cited by Ambry Genetics).

NM_002878.4(RAD51D):c.901C>T (p.Gln301Ter)

Genes: RAD51D (RAD51 paralog D; minus strand), RAD51L3-RFFL (RAD51L3-RFFL readthrough; minus strand). Cytogenetic location: 17q12.
Variant type: single nucleotide variant.
Coding change: c.901C>T on transcript NM_002878.4 (MANE Select); coding-DNA position 901, C replaced by T.
Protein change: p.Gln301Ter; replaces glutamine 301 with a stop codon.
Molecular consequence: nonsense. On other transcripts: non-coding transcript variant (3).
Genome position (GRCh38, 1-based): chr17:35,101,203, G>A on the plus strand (C>T on the coding strand, the complement: RAD51D is on the minus strand). VCF-style: chr17-35101203-G-A. GRCh37 (hg19) VCF-style: chr17-33428222-G-A.
Other names: c.961C>T, p.Gln321Ter (NM_001142571.2); c.565C>T, p.Gln189Ter (NM_133629.3); short protein forms Q301*, Q189*, Q321*.
Identifiers: ClinVar variation 410561 (VCV000410561.25), dbSNP rs1060502959, ClinGen allele CA16615706.
Genomic context (GRCh38, chr17:35,101,203, plus strand): 5'-GTATGGAAACCACCCTCCAGGGCCCAAGATTACTGGCATCTTCCTGGGGCTGGCTCACCT[G>A]TCGGGAAGATTTGGCCAGACACGCCATGCGCCGGCCGCCTGATGCTCCTGCTCCCTCGAT-3'